The following continues an entry in ClinVar:

NM_002471.4(MYH6):c.4328C>A (p.Ala1443Asp)

Gene: MYH6. ClinVar aggregate classification (germline): Conflicting classifications of pathogenicity. Uncertain significance (13); Likely benign (1).

Submissions 9 to 18 of 18:

Fulgent Genetics
Classification: Uncertain significance for Hypertrophic cardiomyopathy 1; Hypertrophic cardiomyopathy 14; Dilated cardiomyopathy 1EE; Atrial septal defect 3; Sick sinus syndrome 3, susceptibility to. Last evaluated: 2021-09-09. Review status: criteria provided, single submitter. Criteria: ACMG Guidelines, 2015. Collection method: clinical testing. Allele origin: unknown.

Victorian Clinical Genetics Services, Murdoch Childrens Research Institute
Classification: Uncertain significance for Atrial septal defect 3. Last evaluated: 2021-05-06. Review status: criteria provided, single submitter. Criteria: ACMG Guidelines, 2015. Collection method: clinical testing. Allele origin: germline. Inheritance: Autosomal dominant inheritance. Affected: yes.
Comment: Based on the classification scheme VCGS_Germline_v1.3.4, this variant is classified as VUS-3B. Following criteria are met: 0105 - The mechanism of disease for this gene is not clearly established. (I) 0107 - This gene is associated with autosomal dominant disease. (I) 0200 - Variant is predicted to result in a missense amino acid change from alanine to aspartic acid. (I) 0251 - This variant is heterozygous. (I) 0302 - Variant is present in gnomAD (v2, v3) <0.001 for a dominant condition (26 heterozygotes, 0 homozygotes). (SP) 0501 - Missense variant consistently predicted to be damaging by multiple in silico tools or highly conserved with a major amino acid change. (SP) 0600 - Variant is located in the annotated myosin tail domain (NCBI). (I) 0705 - No comparable missense variants have previous evidence for pathogenicity. (I) 0809 - Previous evidence of pathogenicity for this variant is inconclusive. This variant has been reported many times as a VUS within European cohorts (ClinVar, LOVD, cardiodb, PMID: 30847666, PMID: 29875424). (I) 1208 - Inheritance information for this variant is not currently available in this individual. (I) Legend: (SP) - Supporting pathogenic, (I) - Information, (SB) - Supporting benign

Center for Human Genetics, University of Leuven
Classification: Uncertain significance for Hypertrophic cardiomyopathy. Last evaluated: 2018-10-31. Review status: criteria provided, single submitter. Criteria: ACMG Guidelines, 2015. Collection method: clinical testing. Allele origin: germline. Affected: yes.

HudsonAlpha Institute for Biotechnology
Classification: Uncertain significance for Atrial septal defect 3. Last evaluated: 2018-07-12. Review status: criteria provided, single submitter. Criteria: ACMG Guidelines, 2015. Collection method: research. Allele origin: maternal. Affected: yes. Observed: 1 variant allele. Study: CSER-SouthSeq.
Comment: ACMG codes: PP3

Laboratory for Molecular Medicine, Mass General Brigham Personalized Medicine
Classification: Uncertain significance. Last evaluated: 2013-11-01. Review status: criteria provided, single submitter. Criteria: LMM Criteria. Collection method: clinical testing. Allele origin: germline. Observed: 2 variant alleles.
Comment: The Ala1443Asp variant in MYH6 has been reported in 1 individual with congenital heart disease (ASD) and was absent from at least 960 control chromosomes (Grana dos-Riveron 2010, Granados-Riveron 2012). It was also absent from large populati on studies. Computational analyses (biochemical amino acid properties, conservat ion, AlignGVGD, PolyPhen2, and SIFT) suggest that this variant may impact the pr otein, though this information is not predictive enough to determine pathogenici ty. In summary, additional information is needed to fully assess the clinical si gnificance of this variant.

Molecular Diagnostic Laboratory for Inherited Cardiovascular Disease, Montreal Heart Institute
Classification: Uncertain significance for Primary familial hypertrophic cardiomyopathy. Review status: criteria provided, single submitter. Criteria: ACMG Guidelines, 2015. Collection method: clinical testing. Allele origin: germline. Affected: yes.

Clinical Genetics DNA and cytogenetics Diagnostics Lab, Erasmus MC, Erasmus Medical Center
Classification: Uncertain significance. Review status: no assertion criteria provided. Collection method: clinical testing. Allele origin: germline. Affected: yes. Study: VKGL Data-share Consensus. Not counted in ClinVar's aggregate classification.

Clinical Genetics, Academic Medical Center
Classification: Uncertain significance. Review status: no assertion criteria provided. Collection method: clinical testing. Allele origin: germline. Affected: yes. Study: VKGL Data-share Consensus. Not counted in ClinVar's aggregate classification.

Diagnostic Laboratory, Department of Genetics, University Medical Center Groningen
Classification: Uncertain significance. Review status: no assertion criteria provided. Collection method: clinical testing. Allele origin: germline. Affected: yes. Study: VKGL Data-share Consensus. Not counted in ClinVar's aggregate classification.

Joint Genome Diagnostic Labs from Nijmegen and Maastricht, Radboudumc and MUMC+
Classification: Uncertain significance. Review status: no assertion criteria provided. Collection method: clinical testing. Allele origin: germline. Affected: yes. Study: VKGL Data-share Consensus. Not counted in ClinVar's aggregate classification.

Literature cited by the submitters: PubMed 20656787 (cited by 3 submitters); PubMed 24082139 (cited by 4 submitters); PubMed 27789736 (cited by 4 submitters); PubMed 28416588 (cited by 3 submitters); PubMed 29875424 (cited by 4 submitters); PubMed 31513939 (cited by 3 submitters); PubMed 31737537 (cited by 3 submitters); PubMed 32880476 (cited by 3 submitters); PubMed 36890431 (cited by Labcorp Genetics (formerly Invitae), Labcorp and Women's Health and Genetics/Laboratory Corporation of America, LabCorp); PubMed 39226896 (cited by Labcorp Genetics (formerly Invitae), Labcorp); PubMed 39596649 (cited by Labcorp Genetics (formerly Invitae), Labcorp); PubMed 22011241 (cited by 4 submitters); PubMed 34930662 (cited by Ambry Genetics and Women's Health and Genetics/Laboratory Corporation of America, LabCorp); PubMed 35456442 (cited by Ambry Genetics and Women's Health and Genetics/Laboratory Corporation of America, LabCorp); PubMed 31514951 (cited by Women's Health and Genetics/Laboratory Corporation of America, LabCorp and Clinical Genomics Laboratory, Stanford Medicine); PubMed 30847666 (cited by Victorian Clinical Genetics Services, Murdoch Childrens Research Institute).